The following is an entry in ClinVar:

NM_000284.4(PDHA1):c.943G>A (p.Asp315Asn)

Gene: PDHA1 (pyruvate dehydrogenase E1 subunit alpha 1; plus strand). Cytogenetic location: Xp22.12.
Variant type: single nucleotide variant.
Coding change: c.943G>A on transcript NM_000284.4 (MANE Select); coding-DNA position 943, G replaced by A.
Protein change: p.Asp315Asn; replaces aspartic acid 315 with asparagine.
Molecular consequence: missense variant.
Genome position (GRCh38, 1-based): chrX:19,358,959, G>A. VCF-style: chrX-19358959-G-A. GRCh37 (hg19) VCF-style: chrX-19377077-G-A.
Other names: c.1057G>A, p.Asp353Asn (NM_001173454.2); c.964G>A, p.Asp322Asn (NM_001173455.2); c.850G>A, p.Asp284Asn (NM_001173456.2); c.943G>A (NM_000284.3); short protein forms D315N, D284N, D322N, D353N.
Identifiers: ClinVar variation 10884 (VCV000010884.5), dbSNP rs137853256, ClinGen allele CA121219.

ClinVar aggregate classification (germline): Likely pathogenic. Review status: criteria provided, single submitter (1 of 4 stars). 3 submissions from 3 submitters: Likely pathogenic (1). 2 of the submissions do not count toward it. Last evaluated 2020-10-23.

Conditions:
Pyruvate dehydrogenase E1-alpha deficiency (PDHAD). Also called: ATAXIA, INTERMITTENT, WITH PYRUVATE DEHYDROGENASE DEFICIENCY; ATAXIA WITH LACTIC ACIDOSIS I; ATAXIA, INTERMITTENT, WITH ABNORMAL PYRUVATE METABOLISM; Ataxia, intermittent, with pyruvate dehydrogenase, or decarboxylase, deficiency. Identifiers: Orphanet 79243, MedGen C1839413, MONDO:0010717, OMIM 312170.

Submissions (3):

Institute of Medical Genetics and Applied Genomics, University Hospital Tübingen
Classification: Likely pathogenic. Last evaluated: 2020-10-23. Review status: criteria provided, single submitter. Criteria: ACMG Guidelines, 2015. Collection method: clinical testing. Allele origin: germline. Inheritance: X-linked dominant inheritance. Affected: yes.

PDHA1 Study Group, University Children’s Hospital, Paracelsus Medical University
Classification: Pathogenic for Pyruvate dehydrogenase E1-alpha deficiency. Last evaluated: 2024-10-15. Review status: no assertion criteria provided. Collection method: research. Allele origin: germline. Affected: yes. Observed: 1 variant allele. Not counted in ClinVar's aggregate classification.
Comment: The NM_000284.3:c.943G>A (p.Asp315Asn) substitution is a missense variant in PDHA1 gene. The variant has been reported in 1 published case (PMIDs: 8032855). Last literature search: July 12, 2024. This variant is absent or extremely rare in population-based cohorts in the Genome Aggregation Database (gnomAD). Individuals harboring this variant presented with clinical features compatible with PDHA1-related PDHc deficiency. In summary, this variant meets criteria to be classified as pathogenic (P) for PDHA1-related PDHc deficiency based on the ACMG/AMP criteria applied: PS3, PM1, PM2, PM7, PP3 (last assessment October 15, 2024).

OMIM
Classification: Pathogenic for PYRUVATE DEHYDROGENASE E1-ALPHA DEFICIENCY. Last evaluated: 2017-08-15. Review status: no assertion criteria provided. Collection method: literature only. Allele origin: germline. Not counted in ClinVar's aggregate classification.

Literature cited by the submitters: PubMed 8032855 (cited by PDHA1 Study Group, University Children’s Hospital, Paracelsus Medical University); DOI 10.1093/brain/awaf430 (cited by PDHA1 Study Group, University Children’s Hospital, Paracelsus Medical University); PubMed 7692352 (cited by OMIM).